The following is an entry in ClinVar:

ClinVar aggregate classification (germline): Pathogenic/Likely pathogenic. Review status: criteria provided, multiple submitters, no conflicts (2 of 4 stars). 2 submissions from 2 submitters: Pathogenic (1); Likely pathogenic (1). Last evaluated 2022-05-30.

Conditions:
Spastic paraplegia. Identifiers: MedGen C0037772, HP:0001258.

Submissions (2):

Labcorp Genetics (formerly Invitae), Labcorp
Classification: Pathogenic for Spastic paraplegia. Last evaluated: 2022-05-30. Review status: criteria provided, single submitter. Criteria: Invitae Variant Classification Sherloc (09022015). Collection method: clinical testing. Allele origin: germline.
Comment: This sequence change creates a premature translational stop signal (p.Tyr2128*) in the ZFYVE26 gene. It is expected to result in an absent or disrupted protein product. Loss-of-function variants in ZFYVE26 are known to be pathogenic (PMID: 18394578, 19805727). For these reasons, this variant has been classified as Pathogenic. ClinVar contains an entry for this variant (Variation ID: 1335973). This variant has not been reported in the literature in individuals affected with ZFYVE26-related conditions. This variant is not present in population databases (gnomAD no frequency).

Genetic Services Laboratory, University of Chicago
Classification: Likely pathogenic. Last evaluated: 2019-02-04. Review status: criteria provided, single submitter. Criteria: ACMG Guidelines, 2015. Collection method: clinical testing. Allele origin: germline. Affected: yes.
Comment: DNA sequence analysis of the ZFYVE26 gene demonstrated a sequence change, c.6384C>A, which results in the creation of a premature stop codon at amino acid position 2128, p.Tyr2128*. This sequence change is predicted to result in an abnormal transcript, which may be degraded, or may lead to the production of a truncated protein with potentially abnormal function. This sequence change has not been previously described in patients with spastic paraplegia 15 and has also not been described as a known benign sequence change in the ZFYVE26 gene.

Literature cited by the submitters: PubMed 18394578 (cited by Labcorp Genetics (formerly Invitae), Labcorp); PubMed 19805727 (cited by Labcorp Genetics (formerly Invitae), Labcorp).

NM_015346.4(ZFYVE26):c.6384C>A (p.Tyr2128Ter)

Gene: ZFYVE26 (zinc finger FYVE-type containing 26; minus strand). Cytogenetic location: 14q24.1.
Variant type: single nucleotide variant.
Coding change: c.6384C>A on transcript NM_015346.4 (MANE Select); coding-DNA position 6384, C replaced by A.
Protein change: p.Tyr2128Ter; replaces tyrosine 2128 with a stop codon.
Molecular consequence: nonsense.
Genome position (GRCh38, 1-based): chr14:67,761,570, G>T on the plus strand (C>A on the coding strand, the complement: ZFYVE26 is on the minus strand). VCF-style: chr14-67761570-G-T. GRCh37 (hg19) VCF-style: chr14-68228287-G-T.
Other names: short protein forms Y2128*.
Identifiers: ClinVar variation 1335973 (VCV001335973.8), dbSNP rs2140192948, ClinGen allele CA390163511.